The following is an entry in ClinVar:

NM_001271.4(CHD2):c.4072G>A (p.Glu1358Lys)

Gene: CHD2 (chromodomain helicase DNA binding protein 2; plus strand). Cytogenetic location: 15q26.1.
Variant type: single nucleotide variant.
Coding change: c.4072G>A on transcript NM_001271.4 (MANE Select); coding-DNA position 4072, G replaced by A.
Protein change: p.Glu1358Lys; replaces glutamic acid 1358 with lysine.
Molecular consequence: missense variant.
Genome position (GRCh38, 1-based): chr15:93,000,575, G>A. VCF-style: chr15-93000575-G-A. GRCh37 (hg19) VCF-style: chr15-93543805-G-A.
Other names: short protein forms E1358K.
Identifiers: ClinVar variation 1008643 (VCV001008643.11), dbSNP rs766747626, ClinGen allele CA7748369.

ClinVar aggregate classification (germline): Conflicting classifications of pathogenicity. Review status: criteria provided, conflicting classifications (1 of 4 stars). 3 submissions from 3 submitters: Uncertain significance (1); Likely benign (2). Last evaluated 2025-02-24.

Conditions:
Developmental and epileptic encephalopathy 94 (DEE94). Also called: CHD2-Related Neurodevelopmental Disorders; Epileptic encephalopathy, childhood-onset. Identifiers: Orphanet 1942, Orphanet 2382, MedGen C3809278, MONDO:0014150, OMIM 615369.

Allele frequency attached by ClinVar (database versions not stated): gnomAD 0.00001; ExAC 0.00002; gnomAD exomes 0.00002 and 0.00003; TOPMed 0.00002.
gnomAD v4.1: 50 of 1,613,774 alleles (0.0031%); highest among the groups gnomAD compares: Non-Finnish European, 0.0041%; no homozygotes.

Submissions (3):

Labcorp Genetics (formerly Invitae), Labcorp
Classification: Uncertain significance for Developmental and epileptic encephalopathy 94. Last evaluated: 2025-02-24. Review status: criteria provided, single submitter. Criteria: Invitae Variant Classification Sherloc (09022015). Collection method: clinical testing. Allele origin: germline.
Comment: This sequence change replaces glutamic acid, which is acidic and polar, with lysine, which is basic and polar, at codon 1358 of the CHD2 protein (p.Glu1358Lys). This variant is present in population databases (rs766747626, gnomAD 0.004%). This variant has not been reported in the literature in individuals affected with CHD2-related conditions. ClinVar contains an entry for this variant (Variation ID: 1008643). Invitae Evidence Modeling of protein sequence and biophysical properties (such as structural, functional, and spatial information, amino acid conservation, physicochemical variation, residue mobility, and thermodynamic stability) indicates that this missense variant is not expected to disrupt CHD2 protein function with a negative predictive value of 95%. In summary, the available evidence is currently insufficient to determine the role of this variant in disease. Therefore, it has been classified as a Variant of Uncertain Significance.

Blueprint Genetics
Classification: Likely benign. Last evaluated: 2024-09-11. Review status: criteria provided, single submitter. Criteria: ACMG Guidelines, 2015. Collection method: clinical testing. Allele origin: germline.

GeneDx
Classification: Likely benign. Last evaluated: 2020-11-06. Review status: criteria provided, single submitter. Criteria: GeneDx Variant Classification Process June 2021. Collection method: clinical testing. Allele origin: germline. Affected: yes.